The following is an entry in ClinVar:

ClinVar aggregate classification (germline): Uncertain significance (1 of 4 stars; one submission).

Conditions:
Hypertrophic cardiomyopathy 12. Identifiers: MedGen C2677491, MONDO:0012804, OMIM 612124.
Dilated cardiomyopathy 1M (CMD1M). Identifiers: Orphanet 154, MedGen C1843808, MONDO:0011840, OMIM 607482.

Submission:

Labcorp Genetics (formerly Invitae), Labcorp
Classification: Uncertain significance for Hypertrophic cardiomyopathy 12; Dilated cardiomyopathy 1M. Last evaluated: 2018-02-25. Review status: criteria provided, single submitter. Criteria: Invitae Variant Classification Sherloc (09022015). Collection method: clinical testing. Allele origin: germline.
Comment: This sequence change replaces cysteine with arginine at codon 61 of the CSRP3 protein (p.Cys61Arg). The cysteine residue is highly conserved and there is a large physicochemical difference between cysteine and arginine. This variant is not present in population databases (ExAC no frequency). In summary, the available evidence is currently insufficient to determine the role of this variant in disease. Therefore, it has been classified as a Variant of Uncertain Significance. Algorithms developed to predict the effect of missense changes on protein structure and function (SIFT, PolyPhen-2, Align-GVGD) all suggest that this variant is likely to be disruptive, but these predictions have not been confirmed by published functional studies and their clinical significance is uncertain. This variant has not been reported in the literature in individuals with CSRP3-related disease.

NM_003476.5(CSRP3):c.181T>C (p.Cys61Arg)

Gene: CSRP3 (cysteine and glycine rich protein 3; minus strand). Cytogenetic location: 11p15.1.
Variant type: single nucleotide variant.
Coding change: c.181T>C on transcript NM_003476.5 (MANE Select); coding-DNA position 181, T replaced by C.
Protein change: p.Cys61Arg; replaces cysteine 61 with arginine.
Molecular consequence: missense variant. On other transcripts: intron variant (1).
Genome position (GRCh38, 1-based): chr11:19,188,236, A>G on the plus strand (T>C on the coding strand, the complement: CSRP3 is on the minus strand). VCF-style: chr11-19188236-A-G. GRCh37 (hg19) VCF-style: chr11-19209783-A-G.
Other names: c.113-1888T>C (NM_001369404.1); short protein forms C61R.
Identifiers: ClinVar variation 582911 (VCV000582911.8), dbSNP rs866941870, ClinGen allele CA379888314.